The following is an entry in ClinVar:

ClinVar aggregate classification (germline): Likely benign. Review status: criteria provided, multiple submitters, no conflicts (2 of 4 stars). 5 submissions from 5 submitters: Likely benign (2). 3 of the submissions do not count toward it. Last evaluated 2024-11-13.

Conditions:
MFN2-related disorder. Also called: MFN2-related condition; MFN2-related disorders.
Charcot-Marie-Tooth disease type 2. Also called: Charcot-Marie-Tooth type 2. Identifiers: Orphanet 64746, MedGen C0270914, MONDO:0018993.

Submissions (5):

Labcorp Genetics (formerly Invitae), Labcorp
Classification: Likely benign for Charcot-Marie-Tooth disease type 2. Last evaluated: 2024-11-13. Review status: criteria provided, single submitter. Criteria: Invitae Variant Classification Sherloc (09022015). Collection method: clinical testing. Allele origin: germline.

Blueprint Genetics
Classification: Likely benign. Last evaluated: 2024-10-31. Review status: criteria provided, single submitter. Criteria: ACMG Guidelines, 2015. Collection method: clinical testing. Allele origin: germline.

PreventionGenetics, part of Exact Sciences
Classification: Likely benign for MFN2-related condition. Last evaluated: 2019-04-12. Review status: no assertion criteria provided. Collection method: clinical testing. Allele origin: germline. Not counted in ClinVar's aggregate classification.
Comment: This variant is classified as likely benign based on ACMG/AMP sequence variant interpretation guidelines (Richards et al. 2015 PMID: 25741868, with internal and published modifications).

Clinical Genetics DNA and cytogenetics Diagnostics Lab, Erasmus MC, Erasmus Medical Center
Classification: Likely benign. Review status: no assertion criteria provided. Collection method: clinical testing. Allele origin: germline. Affected: yes. Study: VKGL Data-share Consensus. Not counted in ClinVar's aggregate classification.

Clinical Genetics, Academic Medical Center
Classification: Benign. Review status: no assertion criteria provided. Collection method: clinical testing. Allele origin: germline. Affected: yes. Study: VKGL Data-share Consensus. Not counted in ClinVar's aggregate classification.

NM_014874.4(MFN2):c.1717-9_1717-6del

Gene: MFN2 (mitofusin 2; plus strand). Cytogenetic location: 1p36.22.
Variant type: Microsatellite.
Coding change: c.1717-9_1717-6del on transcript NM_014874.4 (MANE Select); 9 bases into the intron before coding-DNA position 1717 through 6 bases into the intron before coding-DNA position 1717, 4 bases deleted (TCTC; older notation c.1717-9_1717-6delTCTC).
Molecular consequence: intron variant.
Genome position (GRCh38, 1-based): chr1:12,006,529-12,006,532, TCTC deleted; deleting any 4 consecutive bases within chr1:12,006,527-12,006,532 gives the same sequence; the c. name uses the placement nearest the transcript's 3' end. VCF-style (leftmost placement, unchanged base first): chr1-12006526-TTCTC-T. GRCh37 (hg19) VCF-style: chr1-12066583-TTCTC-T.
Other names: c.1717-9_1717-6del (NM_001127660.2).
Identifiers: ClinVar variation 700594 (VCV000700594.15), dbSNP rs746359726, ClinGen allele CA599209.
Genomic context (GRCh38, chr1:12,006,526, plus strand): 5'-GCAACACTGAGGGTTCACGTGAATGAGAGACTCAATACGTCCCCCTCACCCCTCTCATGT[TTCTC>T]TCCTCAGGTCCAGCGTCCCATCCCTCTGACGCCAGCCAACCCCAGCATGCCCCCACTGCC-3'